The following is an entry in ClinVar:

NM_144672.4(OTOA):c.916C>T (p.Gln306Ter)

Gene: OTOA (otoancorin). Cytogenetic location: 16p12.2.
Variant type: single nucleotide variant.
Coding change: c.916C>T on transcript NM_144672.4 (MANE Select); coding-DNA position 916, C replaced by T.
Protein change: p.Gln306Ter; replaces glutamine 306 with a stop codon.
Molecular consequence: nonsense.
Genome position (GRCh38, 1-based): chr16:21,700,963, C>T. VCF-style: chr16-21700963-C-T. GRCh37 (hg19) VCF-style: chr16-21712284-C-T.
Other names: c.679C>T, p.Gln227Ter (NM_001161683.2); c.916C>T (NM_144672.3); short protein forms Q227*, Q306*.
Identifiers: ClinVar variation 2876637 (VCV002876637.4), dbSNP rs1288292297, ClinGen allele CA395060216.

ClinVar aggregate classification (germline): Pathogenic/Likely pathogenic. Review status: criteria provided, multiple submitters, no conflicts (2 of 4 stars). 2 submissions from 2 submitters: Pathogenic (1); Likely pathogenic (1). Last evaluated 2025-10-14.

Conditions:
OTOA-related disorder. Also called: OTOA-related condition.

Allele frequency attached by ClinVar (database versions not stated): gnomAD exomes below 0.00001; TOPMed 0.00001.
gnomAD v4.1: 7 of 1,614,116 alleles (0.00043%); highest among the groups gnomAD compares: Non-Finnish European, 0.00059%; no homozygotes.

Submissions (2):

PreventionGenetics, part of Exact Sciences
Classification: Likely pathogenic for OTOA-related condition. Last evaluated: 2025-10-14. Review status: criteria provided, single submitter. Criteria: ACMG Guidelines, 2015. Collection method: clinical testing. Allele origin: germline.
Comment: The OTOA c.916C>T variant is predicted to result in premature protein termination (p.Gln306*). To our knowledge, this variant has not been reported in the literature or in a large population database (gnomAD), indicating this variant is rare. Nonsense variants in OTOA are expected to be pathogenic. This variant is interpreted as likely pathogenic.

Labcorp Genetics (formerly Invitae), Labcorp
Classification: Pathogenic. Last evaluated: 2023-05-02. Review status: criteria provided, single submitter. Criteria: Invitae Variant Classification Sherloc (09022015). Collection method: clinical testing. Allele origin: germline.
Comment: For these reasons, this variant has been classified as Pathogenic. This variant has not been reported in the literature in individuals affected with OTOA-related conditions. This variant is not present in population databases (gnomAD no frequency). This sequence change creates a premature translational stop signal (p.Gln306*) in the OTOA gene. It is expected to result in an absent or disrupted protein product. Loss-of-function variants in OTOA are known to be pathogenic (PMID: 11972037).

Literature cited by the submitters: PubMed 11972037 (cited by Labcorp Genetics (formerly Invitae), Labcorp).